The following is an entry in ClinVar:

NM_001171613.2(PREPL):c.521G>A (p.Arg174His)

Gene: PREPL (prolyl endopeptidase like; minus strand). Cytogenetic location: 2p21.
Variant type: single nucleotide variant.
Coding change: c.521G>A on transcript NM_001171613.2 (MANE Select); coding-DNA position 521, G replaced by A.
Protein change: p.Arg174His; replaces arginine 174 with histidine.
Molecular consequence: missense variant.
Genome position (GRCh38, 1-based): chr2:44,339,328, C>T on the plus strand (G>A on the coding strand, the complement: PREPL is on the minus strand). VCF-style: chr2-44339328-C-T. GRCh37 (hg19) VCF-style: chr2-44566467-C-T.
Other names: c.788G>A, p.Arg263His (NM_001042385.2, NM_001042386.2, NM_001171603.1 and 4 more transcripts); c.521G>A, p.Arg174His (NM_001171617.1, NM_001374277.1); short protein forms R263H, R174H.
Identifiers: ClinVar variation 1504894 (VCV001504894.6), dbSNP rs145964404, ClinGen allele CA46547626.

ClinVar aggregate classification (germline): Uncertain significance (1 of 4 stars; one submission).

Conditions:
Myasthenic syndrome, congenital, 22 (CMS22). Also called: PREPL DEFICIENCY. Identifiers: MedGen C4479088, MONDO:0044299, OMIM 616224.

gnomAD v4.1: 14 of 1,613,800 alleles (0.00087%); highest among the groups gnomAD compares: South Asian, 0.0022%; no homozygotes.

Submission:

Labcorp Genetics (formerly Invitae), Labcorp
Classification: Uncertain significance for Myasthenic syndrome, congenital, 22. Last evaluated: 2023-05-10. Review status: criteria provided, single submitter. Criteria: Invitae Variant Classification Sherloc (09022015). Collection method: clinical testing. Allele origin: germline.
Comment: In summary, the available evidence is currently insufficient to determine the role of this variant in disease. Therefore, it has been classified as a Variant of Uncertain Significance. Advanced modeling of protein sequence and biophysical properties (such as structural, functional, and spatial information, amino acid conservation, physicochemical variation, residue mobility, and thermodynamic stability) performed at Invitae indicates that this missense variant is not expected to disrupt PREPL protein function. ClinVar contains an entry for this variant (Variation ID: 1504894). This variant has not been reported in the literature in individuals affected with PREPL-related conditions. This variant is present in population databases (no rsID available, gnomAD 0.0009%). This sequence change replaces arginine, which is basic and polar, with histidine, which is basic and polar, at codon 263 of the PREPL protein (p.Arg263His).